The following is an entry in ClinVar:

ClinVar aggregate classification (germline): Likely pathogenic. Review status: criteria provided, single submitter (1 of 4 stars). 2 submissions from 2 submitters: Likely pathogenic (1). 1 of the submissions does not count toward it. Last evaluated 2019-08-21.

Conditions:
Contractures, pterygia, and spondylocarpotarsal fusion syndrome 1A (CPSFS1A). Also called: MULTIPLE PTERYGIUM SYNDROME, AUTOSOMAL DOMINANT; Distal arthrogryposis type 8; Contractures, pterygia, and variable skeletal fusions syndrome 1A. Identifiers: Orphanet 65743, MedGen C1867440, MONDO:0008338, OMIM 178110.

Submissions (2):

SIB Swiss Institute of Bioinformatics
Classification: Likely pathogenic for Contractures, pterygia, and spondylocarpotarsal fusion syndrome 1A. Last evaluated: 2019-08-21. Review status: criteria provided, single submitter. Criteria: ACMG Guidelines, 2015. Collection method: curation. Allele origin: unknown.
Comment: This variant is interpreted as a Likely pathogenic for Contractures, pterygia, and variable skeletal fusions syndrome 1A, autosomal dominant. The following ACMG Tag(s) were applied: PM2, PP3, PM1, PM6.

OMIM
Classification: Pathogenic for CONTRACTURES, PTERYGIA, AND SPONDYLOCARPOTARSAL FUSION SYNDROME 1A. Last evaluated: 2020-02-27. Review status: no assertion criteria provided. Collection method: literature only. Allele origin: germline. Not counted in ClinVar's aggregate classification.

Literature cited by the submitters: PubMed 29314551 (cited by SIB Swiss Institute of Bioinformatics and OMIM).

NM_002470.4(MYH3):c.859T>G (p.Phe287Val)

Gene: MYH3 (myosin heavy chain 3; minus strand). Cytogenetic location: 17p13.1.
Variant type: single nucleotide variant.
Coding change: c.859T>G on transcript NM_002470.4 (MANE Select); coding-DNA position 859, T replaced by G.
Protein change: p.Phe287Val; replaces phenylalanine 287 with valine.
Molecular consequence: missense variant.
Genome position (GRCh38, 1-based): chr17:10,647,221, A>C on the plus strand (T>G on the coding strand, the complement: MYH3 is on the minus strand). VCF-style: chr17-10647221-A-C. GRCh37 (hg19) VCF-style: chr17-10550538-A-C.
Other names: short protein forms F287V.
Identifiers: ClinVar variation 634841 (VCV000634841.4), dbSNP rs1567560080, ClinGen allele CA398177796.
Genomic context (GRCh38, chr17:10,647,221, plus strand): 5'-CCCCACTGGTGACTTCCTCACCTATGAGCTCAGGCTTCTTGTTAGAAAGAATCTGGTAGA[A>C]GATGTGGTAGCTTCTTTCAGCCTTCAGCTGGAAAGTGACTCTTGATTTTTCCAGAAGATC-3'
Protein context (NP_002461.2, residues 277-297): QLKAERSYHI[Phe287Val]YQILSNKKPE